The following is an entry in ClinVar:

NM_017514.5(PLXNA3):c.2951C>T (p.Ala984Val)

Gene: PLXNA3 (plexin A3; plus strand). Cytogenetic location: Xq28.
Variant type: single nucleotide variant.
Coding change: c.2951C>T on transcript NM_017514.5 (MANE Select); coding-DNA position 2951, C replaced by T.
Protein change: p.Ala984Val; replaces alanine 984 with valine.
Molecular consequence: missense variant.
Genome position (GRCh38, 1-based): chrX:154,466,637, C>T. VCF-style: chrX-154466637-C-T. GRCh37 (hg19) VCF-style: chrX-153694980-C-T.
Other names: short protein forms A984V.
Identifiers: ClinVar variation 4982267 (VCV004982267.1).
Genomic context (GRCh38, chrX:154,466,637, plus strand): 5'-GAGGGCCCTGGGCCACCCGCTCCAAGCACCCTGCTTGCCAATGTAGGAGAGATGCCAAGG[C>T]GATCGTGTGCATCTCACCTCTCTCCACCCTGGGCCCCAGCCAGGCCCCCATCACACTTGC-3'
Protein context (NP_059984.3, residues 974-994): ECQFVRRDAK[Ala984Val]IVCISPLSTL

ClinVar aggregate classification (germline): Uncertain significance (1 of 4 stars; one submission).

Conditions:
PLXNA3-related disorder. Also called: PLXNA3-related condition.

Submission:

PreventionGenetics, part of Exact Sciences
Classification: Uncertain significance for PLXNA3-related condition. Last evaluated: 2025-10-03. Review status: criteria provided, single submitter. Criteria: ACMG Guidelines, 2015. Collection method: clinical testing. Allele origin: germline.
Comment: The PLXNA3 c.2951C>T variant is predicted to result in the amino acid substitution p.Ala984Val. To our knowledge, this variant has not been reported in the literature. This variant is reported in 0.0081% of alleles in individuals of African descent in gnomAD. At this time, the clinical significance of this variant is uncertain due to the absence of conclusive functional and genetic evidence.